The following is an entry in ClinVar:

NM_002253.4(KDR):c.718G>T (p.Glu240Ter)

Gene: KDR (kinase insert domain receptor; minus strand). Cytogenetic location: 4q12.
Variant type: single nucleotide variant.
Coding change: c.718G>T on transcript NM_002253.4 (MANE Select); coding-DNA position 718, G replaced by T.
Protein change: p.Glu240Ter; replaces glutamic acid 240 with a stop codon.
Molecular consequence: nonsense.
Genome position (GRCh38, 1-based): chr4:55,114,206, C>A on the plus strand (G>T on the coding strand, the complement: KDR is on the minus strand). VCF-style: chr4-55114206-C-A. GRCh37 (hg19) VCF-style: chr4-55980373-C-A.
Other names: short protein forms E240*.
Identifiers: ClinVar variation 4083479 (VCV004083479.1).
Genomic context (GRCh38, chr4:55,114,206, plus strand): 5'-AGTTGAAGTCAATCCCCACATTTAGTTCAGTTCTTGCTGTACAATTTAAGACAAGCTTTT[C>A]TCCAACAGATAGTTCAATTCCATGAGACGGACTCAGAACCACATCATAAATCCTATACCC-3'

ClinVar aggregate classification (germline): Uncertain significance (1 of 4 stars; one submission).

Submission:

GeneDx
Classification: Uncertain significance. Last evaluated: 2025-03-03. Review status: criteria provided, single submitter. Criteria: GeneDx Variant Classification Process June 2021. Collection method: clinical testing. Allele origin: germline. Affected: yes.
Comment: Nonsense variant predicted to result in protein truncation or nonsense mediated decay in a gene or region of a gene for which loss of function is not a well-established mechanism of disease; Not observed at significant frequency in large population cohorts (gnomAD); Has not been previously published as pathogenic or benign to our knowledge